The following is an entry in ClinVar:

NM_020693.4(DSCAML1):c.*5del

Gene: DSCAML1 (DS cell adhesion molecule like 1; minus strand). Cytogenetic location: 11q23.3.
Variant type: Deletion.
Coding change: c.*5del on transcript NM_020693.4 (MANE Select); 5 bases downstream of the stop codon, one base deleted (C; older notation c.*5delC).
Molecular consequence: 3 prime UTR variant.
Genome position (GRCh38, 1-based): chr11:117,428,323, G deleted on the plus strand (C on the coding strand, the reverse complement: DSCAML1 is on the minus strand); the first of 3 consecutive G bases (chr11:117,428,323-117,428,325); deleting any one gives the same sequence. VCF-style (leftmost placement, unchanged base first): chr11-117428322-CG-C. GRCh37 (hg19) VCF-style: chr11-117299038-CG-C.
Identifiers: ClinVar variation 3037184 (VCV003037184.2), dbSNP rs202143844, ClinGen allele CA6295843.
Genomic context (GRCh38, chr11:117,428,322, plus strand): 5'-CAGCCGAGCTGGCGTGTGGGGCTGCGGCGCGGCGCGGTCCAGGCGTGGCTGCTCTTCCTG[CG>C]GGCCCTACACCAGGGTGTAGGATTTGGAGTAGGCCCCGGCCCCCTGCTTCTGAGACCTCC-3'

ClinVar aggregate classification (germline): Benign (0 of 4 stars; one submission).

Conditions:
DSCAML1-related disorder. Also called: DSCAML1-related condition.

Submission:

PreventionGenetics, part of Exact Sciences
Classification: Benign for DSCAML1-related condition. Last evaluated: 2019-05-03. Review status: no assertion criteria provided. Collection method: clinical testing. Allele origin: germline.
Comment: This variant is classified as benign based on ACMG/AMP sequence variant interpretation guidelines (Richards et al. 2015 PMID: 25741868, with internal and published modifications).